The following is an entry in ClinVar:

ClinVar aggregate classification (germline): Uncertain significance. Review status: criteria provided, multiple submitters, no conflicts (2 of 4 stars). 2 submissions from 2 submitters: Uncertain significance (2). Last evaluated 2022-05-23.

Conditions:
Hypokalemic periodic paralysis, type 1. Also called: Hypokalemic Periodic Paralysis Type 1 (AD); HypoPP. Identifiers: Orphanet 681, MedGen C3714580, MONDO:0042979, OMIM 170400.
Hypokalemic periodic paralysis, type 2 (HOKPP2). Identifiers: Orphanet 681, MedGen C2750061, MONDO:0013234, OMIM 613345.
Hyperkalemic periodic paralysis. Also called: Familial hyperkalemic periodic paralysis; Gamstorp disease. Identifiers: Orphanet 682, MedGen C0238357, MONDO:0008224, OMIM 170500, HP:0007215.
Potassium-aggravated myotonia. Also called: MYOTONIA CONGENITA, ACETAZOLAMIDE-RESPONSIVE; MYOTONIA CONGENITA, ATYPICAL; SODIUM CHANNEL MUSCLE DISEASE; Myotonia congenita, atypical, acetazolamide-responsive. Identifiers: Orphanet 612, Orphanet 99734, Orphanet 99735, Orphanet 99736, MedGen C2931826, MONDO:0018959, OMIM 608390.
Congenital myasthenic syndrome 16. Identifiers: Orphanet 590, MedGen C3280112, MONDO:0013620, OMIM 614198.
Paramyotonia congenita of Von Eulenburg. Also called: Paramyotonia Congenita; Eulenburg disease; Myotonia congenita intermittens; Von Eulenburg paramyotonia congenita; PARALYSIS PERIODICA PARAMYOTONICA. Identifiers: Orphanet 684, MedGen C0221055, MONDO:0008195, OMIM 168300. Disease mechanism: loss of function.

Submissions (2):

Fulgent Genetics
Classification: Uncertain significance for Paramyotonia congenita of Von Eulenburg; Hypokalemic periodic paralysis, type 1; Hyperkalemic periodic paralysis; Potassium-aggravated myotonia; Hypokalemic periodic paralysis, type 2; Congenital myasthenic syndrome 16. Last evaluated: 2022-05-23. Review status: criteria provided, single submitter. Criteria: ACMG Guidelines, 2015. Collection method: clinical testing. Allele origin: unknown.

GeneDx
Classification: Uncertain significance. Last evaluated: 2017-06-20. Review status: criteria provided, single submitter. Criteria: GeneDx Variant Classification (06012015). Collection method: clinical testing. Allele origin: germline. Affected: yes.
Comment: The F1355L variant in the SCN4A gene has not been reported previously as a pathogenic variant, nor as a benign variant, to our knowledge. The F1355L variant is not observed in large population cohorts (Lek et al., 2016; 1000 Genomes Consortium et al., 2015; Exome Variant Server). The F1355L variant is a conservative amino acid substitution, which is not likely to impact secondary protein structure as these residues share similar properties. However, this substitution occurs at a position that is conserved across species, and in silico analysis predicts this variant is probably damaging to the protein structure/function. We interpret F1355L as a variant of uncertain significance.

NM_000334.4(SCN4A):c.4065C>A (p.Phe1355Leu)

Genes: GH-LCR (growth hormone locus control region; plus strand), SCN4A (sodium voltage-gated channel alpha subunit 4; minus strand). Cytogenetic location: 17q23.3.
Variant type: single nucleotide variant.
Coding change: c.4065C>A on transcript NM_000334.4 (MANE Select); coding-DNA position 4065, C replaced by A.
Protein change: p.Phe1355Leu; replaces phenylalanine 1355 with leucine.
Molecular consequence: missense variant.
Genome position (GRCh38, 1-based): chr17:63,943,049, G>T on the plus strand (C>A on the coding strand, the complement: SCN4A is on the minus strand). VCF-style: chr17-63943049-G-T. GRCh37 (hg19) VCF-style: chr17-62020409-G-T.
Other names: short protein forms F1355L.
Identifiers: ClinVar variation 432792 (VCV000432792.3), dbSNP rs578214396, ClinGen allele CA400616817.